The following is an entry in ClinVar:

NM_198253.3(TERT):c.1141C>G (p.Arg381Gly)

Gene: TERT (telomerase reverse transcriptase; minus strand). Cytogenetic location: 5p15.33.
Variant type: single nucleotide variant.
Coding change: c.1141C>G on transcript NM_198253.3 (MANE Select); coding-DNA position 1141, C replaced by G.
Protein change: p.Arg381Gly; replaces arginine 381 with glycine.
Molecular consequence: missense variant. On other transcripts: non-coding transcript variant (2).
Genome position (GRCh38, 1-based): chr5:1,293,745, G>C on the plus strand (C>G on the coding strand, the complement: TERT is on the minus strand). VCF-style: chr5-1293745-G-C. GRCh37 (hg19) VCF-style: chr5-1293860-G-C.
Other names: c.1141C>G, p.Arg381Gly (NM_001193376.3); short protein forms R381G.
Identifiers: ClinVar variation 937135 (VCV000937135.11), dbSNP rs573210043, ClinGen allele CA359055299.

ClinVar aggregate classification (germline): Uncertain significance. Review status: criteria provided, multiple submitters, no conflicts (2 of 4 stars). 2 submissions from 2 submitters: Uncertain significance (2). Last evaluated 2026-02-01.

Conditions:
Dyskeratosis congenita, autosomal dominant 2. Identifiers: MedGen C3151443, MONDO:0013521, OMIM 613989.
Idiopathic Pulmonary Fibrosis. Also called: Idiopathic fibrosing alveolitis, chronic form; idiopathic fibrosing alveolitis. Identifiers: Orphanet 2032, MedGen C1800706, MeSH D054990, MONDO:0800504.

Allele frequency attached by ClinVar (database versions not stated): TOPMed below 0.00001; gnomAD 0.00001.
gnomAD v4.1: 3 of 1,563,592 alleles (0.00019%); highest among the groups gnomAD compares: Non-Finnish European, 0.00026%; no homozygotes.

Submissions (2):

CeGaT Center for Human Genetics Tuebingen
Classification: Uncertain significance. Last evaluated: 2026-02-01. Review status: criteria provided, single submitter. Criteria: CeGaT Center For Human Genetics Tuebingen Variant Classification Criteria Version 2. Collection method: clinical testing. Allele origin: germline. Affected: yes. Observed: 1 variant allele.
Comment: TERT: PM2, PS4:Supporting

Labcorp Genetics (formerly Invitae), Labcorp
Classification: Uncertain significance for Dyskeratosis congenita, autosomal dominant 2; Idiopathic Pulmonary Fibrosis. Last evaluated: 2022-02-10. Review status: criteria provided, single submitter. Criteria: Invitae Variant Classification Sherloc (09022015). Collection method: clinical testing. Allele origin: germline.
Comment: This sequence change replaces arginine, which is basic and polar, with glycine, which is neutral and non-polar, at codon 381 of the TERT protein (p.Arg381Gly). This variant is not present in population databases (gnomAD no frequency). This missense change has been observed in individual(s) with dyskeratosis congenita (PMID: 26024875). ClinVar contains an entry for this variant (Variation ID: 937135). Advanced modeling of protein sequence and biophysical properties (such as structural, functional, and spatial information, amino acid conservation, physicochemical variation, residue mobility, and thermodynamic stability) performed at Invitae indicates that this missense variant is expected to disrupt TERT protein function. Experimental studies are conflicting or provide insufficient evidence to determine the effect of this variant on TERT function (PMID: 26024875). In summary, the available evidence is currently insufficient to determine the role of this variant in disease. Therefore, it has been classified as a Variant of Uncertain Significance.

Literature cited by the submitters: PubMed 26024875 (cited by Labcorp Genetics (formerly Invitae), Labcorp).